The following is an entry in ClinVar:

NM_024915.4(GRHL2):c.1511G>A (p.Arg504Gln)

Gene: GRHL2 (grainyhead like transcription factor 2; plus strand). Cytogenetic location: 8q22.3.
Variant type: single nucleotide variant.
Coding change: c.1511G>A on transcript NM_024915.4 (MANE Select); coding-DNA position 1511, G replaced by A.
Protein change: p.Arg504Gln; replaces arginine 504 with glutamine.
Molecular consequence: missense variant.
Genome position (GRCh38, 1-based): chr8:101,636,922, G>A. VCF-style: chr8-101636922-G-A. GRCh37 (hg19) VCF-style: chr8-102649150-G-A.
Other names: c.1463G>A, p.Arg488Gln (NM_001330593.2); short protein forms R488Q, R504Q.
Identifiers: ClinVar variation 3898054 (VCV003898054.1).

ClinVar aggregate classification (germline): Uncertain significance (1 of 4 stars; one submission).

Conditions:
Corneal dystrophy, posterior polymorphous, 4. Identifiers: MedGen C4747961, MONDO:0054832, OMIM 618031.

Submission:

Neuberg Centre For Genomic Medicine, NCGM
Classification: Uncertain significance for Corneal dystrophy, posterior polymorphous, 4. Last evaluated: 2024-02-01. Review status: criteria provided, single submitter. Criteria: ACMG Guidelines, 2015. Collection method: clinical testing. Allele origin: germline. Inheritance: Autosomal dominant inheritance.
Comment: The missense variant has not been reported previously as a pathogenic variant nor as a benign variant, to our knowledge